The following is an entry in ClinVar:

NM_022464.5(SIL1):c.88del (p.Leu30fs)

Gene: SIL1 (SIL1 nucleotide exchange factor; minus strand). Cytogenetic location: 5q31.2.
Variant type: Deletion.
Coding change: c.88del on transcript NM_022464.5 (MANE Select); coding-DNA position 88, one base deleted (C; older notation c.88delC).
Protein change: p.Leu30fs; shifts the reading frame from leucine 30.
Molecular consequence: frameshift variant.
Genome position (GRCh38, 1-based): chr5:139,127,756, G deleted on the plus strand (C on the coding strand, the reverse complement: SIL1 is on the minus strand); the first of 2 consecutive G bases (chr5:139,127,756-139,127,757); deleting either gives the same sequence. VCF-style (leftmost placement, unchanged base first): chr5-139127755-AG-A. GRCh37 (hg19) VCF-style: chr5-138463444-AG-A.
Other names: c.88del, p.Leu30fs (NM_001037633.2); short protein forms L30fs.
Identifiers: ClinVar variation 2055572 (VCV002055572.4), dbSNP rs749423210, ClinGen allele CA3432696.

ClinVar aggregate classification (germline): Pathogenic (1 of 4 stars; one submission).

Conditions:
Marinesco-Sjögren syndrome (MSS). Also called: Marinesco-SjÃ¶gren syndrome; Marinesco-Sjogren Syndrome. Identifiers: Orphanet 559, MedGen C0024814, MONDO:0009567, OMIM 248800.

Submission:

Labcorp Genetics (formerly Invitae), Labcorp
Classification: Pathogenic for Marinesco-Sjögren syndrome. Last evaluated: 2023-07-11. Review status: criteria provided, single submitter. Criteria: Invitae Variant Classification Sherloc (09022015). Collection method: clinical testing. Allele origin: germline.
Comment: The frequency data for this variant in the population databases is considered unreliable, as metrics indicate poor data quality at this position in the gnomAD database. For these reasons, this variant has been classified as Pathogenic. ClinVar contains an entry for this variant (Variation ID: 2055572). This variant has not been reported in the literature in individuals affected with SIL1-related conditions. This sequence change creates a premature translational stop signal (p.Leu30Serfs*6) in the SIL1 gene. It is expected to result in an absent or disrupted protein product. Loss-of-function variants in SIL1 are known to be pathogenic (PMID: 16282977, 24176978).

Literature cited by the submitters: PubMed 16282977; PubMed 24176978.